The following is an entry in ClinVar:

ClinVar aggregate classification (germline): Uncertain significance (1 of 4 stars; one submission).

Conditions:
Hereditary cancer-predisposing syndrome. Also called: Neoplastic Syndromes, Hereditary; Tumor predisposition; Hereditary Cancer Syndrome; Hereditary neoplastic syndrome. Identifiers: Orphanet 140162, MedGen C0027672, MeSH D009386, MONDO:0015356.

Submission:

Ambry Genetics
Classification: Uncertain significance for Hereditary cancer-predisposing syndrome. Last evaluated: 2025-04-22. Review status: criteria provided, single submitter. Criteria: Ambry Variant Classification Scheme 2023. Collection method: clinical testing. Allele origin: germline.
Comment: The p.E109V variant (also known as c.326A>T), located in coding exon 4 of the PMS2 gene, results from an A to T substitution at nucleotide position 326. The glutamic acid at codon 109 is replaced by valine, an amino acid with dissimilar properties. This nucleotide position is highly conserved in available vertebrate species. This amino acid position is highly conserved in available vertebrate species. In silico splice site analysis predicts that this alteration may weaken the native splice donor site; however, direct evidence is insufficient at this time (Ambry internal data). In addition, this amino acid alteration is predicted to be deleterious by in silico analysis. Based on the available evidence, the clinical significance of this variant remains unclear.

NM_000535.7(PMS2):c.326A>T (p.Glu109Val)

Gene: PMS2 (PMS1 homolog 2, mismatch repair system component; minus strand). Cytogenetic location: 7p22.1.
Variant type: single nucleotide variant.
Coding change: c.326A>T on transcript NM_000535.7 (MANE Select); coding-DNA position 326, A replaced by T.
Protein change: p.Glu109Val; replaces glutamic acid 109 with valine.
Molecular consequence: missense variant. On other transcripts: 5 prime UTR variant (9), non-coding transcript variant (1), intron variant (2).
Genome position (GRCh38, 1-based): chr7:6,003,717, T>A on the plus strand (A>T on the coding strand, the complement: PMS2 is on the minus strand). VCF-style: chr7-6003717-T-A. GRCh37 (hg19) VCF-style: chr7-6043348-T-A.
Other names: c.-159A>T (NM_001322015.2, NM_001406882.1, NM_001406877.1 and 3 more transcripts); c.512A>T, p.Glu171Val (NM_001406866.1); c.326A>T, p.Glu109Val (NM_001406872.1, NM_001406871.1, NM_001406912.1 and 8 more transcripts); c.-80A>T (NM_001406897.1, NM_001406898.1, NM_001406911.1 and 14 more transcripts); c.35+255A>T (NM_001322008.2, NM_001322007.2); c.350A>T, p.Glu117Val (NM_001406868.1); c.-559A>T (NM_001322011.2, NM_001322012.2); c.-70A>T (NM_001406890.1); short protein forms E117V, E109V, E171V.
Identifiers: ClinVar variation 1729603 (VCV001729603.3), dbSNP rs1785367984, ClinGen allele CA366744576.